The following is an entry in ClinVar:

ClinVar aggregate classification (germline): Uncertain significance. Review status: criteria provided, multiple submitters, no conflicts (2 of 4 stars). 3 submissions from 3 submitters: Uncertain significance (2). 1 of the submissions does not count toward it. Last evaluated 2024-01-24.

Conditions:
Inborn genetic diseases. Identifiers: MedGen C0950123, MeSH D030342.
Retinal dystrophy. Also called: Inherited retinal dystrophy. Identifiers: Orphanet 71862, MedGen C0854723, MeSH D058499, MONDO:0019118, HP:0000556.

Allele frequency attached by ClinVar (database versions not stated): gnomAD 0.00001; gnomAD exomes 0.00001; TOPMed 0.00001.
gnomAD v4.1: 10 of 1,614,028 alleles (0.00062%); highest among the groups gnomAD compares: African/African-American, 0.0093%; no homozygotes.

Submissions (3):

Labcorp Genetics (formerly Invitae), Labcorp
Classification: Uncertain significance. Last evaluated: 2024-01-24. Review status: criteria provided, single submitter. Criteria: Invitae Variant Classification Sherloc (09022015). Collection method: clinical testing. Allele origin: germline.
Comment: This sequence change replaces proline, which is neutral and non-polar, with threonine, which is neutral and polar, at codon 923 of the ADAMTS18 protein (p.Pro923Thr). This variant is not present in population databases (gnomAD no frequency). This variant has not been reported in the literature in individuals affected with ADAMTS18-related conditions. ClinVar contains an entry for this variant (Variation ID: 1463757). An algorithm developed to predict the effect of missense changes on protein structure and function (PolyPhen-2) suggests that this variant¬†is likely to be tolerated. In summary, the available evidence is currently insufficient to determine the role of this variant in disease. Therefore, it has been classified as a Variant of Uncertain Significance.

Ambry Genetics
Classification: Uncertain significance for Inborn genetic diseases. Last evaluated: 2022-01-07. Review status: criteria provided, single submitter. Criteria: Ambry Variant Classification Scheme 2023. Collection method: clinical testing. Allele origin: germline.

Institute of Human Genetics, Univ. Regensburg, Univ. Regensburg
Classification: Uncertain significance for Retinal dystrophy. Last evaluated: 2023-01-01. Review status: no assertion criteria provided. Criteria: ACMG Guidelines, 2015. Collection method: clinical testing. Allele origin: germline. Affected: yes. Not counted in ClinVar's aggregate classification.

NM_199355.4(ADAMTS18):c.2767C>A (p.Pro923Thr)

Gene: ADAMTS18 (ADAM metallopeptidase with thrombospondin type 1 motif 18; minus strand). Cytogenetic location: 16q23.1.
Variant type: single nucleotide variant.
Coding change: c.2767C>A on transcript NM_199355.4 (MANE Select); coding-DNA position 2767, C replaced by A.
Protein change: p.Pro923Thr; replaces proline 923 with threonine.
Molecular consequence: missense variant.
Genome position (GRCh38, 1-based): chr16:77,297,323, G>T on the plus strand (C>A on the coding strand, the complement: ADAMTS18 is on the minus strand). VCF-style: chr16-77297323-G-T. GRCh37 (hg19) VCF-style: chr16-77331220-G-T.
Other names: c.2251C>A, p.Pro751Thr (NM_001326358.2); c.2767C>A (NM_199355.2); short protein forms P923T, P751T.
Identifiers: ClinVar variation 1463757 (VCV001463757.6), dbSNP rs868570004, ClinGen allele CA284429320.